The following is an entry in ClinVar:

NM_001134363.3(RBM20):c.1189C>T (p.His397Tyr)

Gene: RBM20 (RNA binding motif protein 20; plus strand). Cytogenetic location: 10q25.2.
Variant type: single nucleotide variant.
Coding change: c.1189C>T on transcript NM_001134363.3 (MANE Select); coding-DNA position 1189, C replaced by T.
Protein change: p.His397Tyr; replaces histidine 397 with tyrosine.
Molecular consequence: missense variant.
Genome position (GRCh38, 1-based): chr10:110,781,798, C>T. VCF-style: chr10-110781798-C-T. GRCh37 (hg19) VCF-style: chr10-112541556-C-T.
Other names: short protein forms H397Y.
Identifiers: ClinVar variation 1053934 (VCV001053934.9), dbSNP rs2135044870, ClinGen allele CA378385918.

ClinVar aggregate classification (germline): Uncertain significance (1 of 4 stars; one submission).

Conditions:
Dilated cardiomyopathy 1DD (CMD1DD). Identifiers: Orphanet 154, MedGen C2750995, MONDO:0013168, OMIM 613172.

Submission:

Labcorp Genetics (formerly Invitae), Labcorp
Classification: Uncertain significance for Dilated cardiomyopathy 1DD. Last evaluated: 2020-08-20. Review status: criteria provided, single submitter. Criteria: Invitae Variant Classification Sherloc (09022015). Collection method: clinical testing. Allele origin: germline.
Comment: In summary, the available evidence is currently insufficient to determine the role of this variant in disease. Therefore, it has been classified as a Variant of Uncertain Significance. Advanced modeling of protein sequence and biophysical properties (such as structural, functional, and spatial information, amino acid conservation, physicochemical variation, residue mobility, and thermodynamic stability) performed at Invitae indicates that this missense variant is not expected to disrupt RBM20 protein function. This variant has not been reported in the literature in individuals with RBM20-related conditions. This variant is not present in population databases (ExAC no frequency). This sequence change replaces histidine with tyrosine at codon 397 of the RBM20 protein (p.His397Tyr). The histidine residue is weakly conserved and there is a moderate physicochemical difference between histidine and tyrosine.